The following is an entry in ClinVar:

NM_001020658.2(PUM1):c.1248C>T (p.His416=)

Gene: PUM1 (pumilio RNA binding family member 1; minus strand). Cytogenetic location: 1p35.2.
Variant type: single nucleotide variant.
Coding change: c.1248C>T on transcript NM_001020658.2 (MANE Select); coding-DNA position 1248, C replaced by T.
Protein change: p.His416=; no amino-acid change (histidine 416 retained).
Molecular consequence: synonymous variant.
Genome position (GRCh38, 1-based): chr1:30,981,316, G>A on the plus strand (C>T on the coding strand, the complement: PUM1 is on the minus strand). VCF-style: chr1-30981316-G-A. GRCh37 (hg19) VCF-style: chr1-31454163-G-A.
Other names: c.1248C>T, p.His416= (NM_014676.3).
Identifiers: ClinVar variation 2638598 (VCV002638598.24), dbSNP rs1487511086, ClinGen allele CA416899606.
Genomic context (GRCh38, chr1:30,981,316, plus strand): 5'-TATCCTAAAATGGCGGCCACACCTATCATGAAAGAGCTATGGGCTTAAGGACTTACCGAT[G>A]TGCGGCTGATGAGCAGCTGCCAGTGCATACTGCTGCTGCTGAGCAGCTGTCAACTGCTGG-3'
Protein context (NP_001018494.1, residues 406-426): QYALAAAHQP[His416=]IGLAPAAFVP

ClinVar aggregate classification (germline): Likely benign (1 of 4 stars; one submission).

Allele frequency attached by ClinVar (database versions not stated): gnomAD 0.00001; gnomAD exomes 0.00001; TOPMed 0.00001.
gnomAD v4.1: 10 of 1,589,206 alleles (0.00063%); highest among the groups gnomAD compares: Non-Finnish European, 0.00086%; no homozygotes.

Submission:

CeGaT Center for Human Genetics Tuebingen
Classification: Likely benign. Last evaluated: 2022-09-01. Review status: criteria provided, single submitter. Criteria: CeGaT Center For Human Genetics Tuebingen Variant Classification Criteria Version 2. Collection method: clinical testing. Allele origin: germline. Affected: yes. Observed: 1 variant allele.
Comment: PUM1: BP4, BP7